The following is an entry in ClinVar:

ClinVar aggregate classification (germline): Conflicting classifications of pathogenicity. Review status: criteria provided, conflicting classifications (1 of 4 stars). 5 submissions from 5 submitters: Uncertain significance (1); Benign (1); Likely benign (3). Last evaluated 2026-07-01.

Conditions:
Tyrosinase-positive oculocutaneous albinism (OCA2). Also called: ALBINISM II; Oculocutaneous albinism type 2; Albinism, oculocutaneous, type II. Identifiers: Orphanet 79432, MedGen C0268495, MONDO:0008746, OMIM 203200.

Allele frequency attached by ClinVar (database versions not stated): TOPMed 0.00005; ESP Exome Variant Server 0.00008; gnomAD 0.00009 and 0.00019; gnomAD exomes 0.00025 and 0.00055; ExAC 0.00062; 1000 Genomes Project 30x 0.00141; 1000 Genomes Project 0.00160.
gnomAD v4.1: 415 of 1,614,212 alleles (0.026%); highest among the groups gnomAD compares: South Asian, 0.37%; 2 homozygotes.

Submissions (5):

CeGaT Center for Human Genetics Tuebingen
Classification: Likely benign. Last evaluated: 2026-07-01. Review status: criteria provided, single submitter. Criteria: CeGaT Center For Human Genetics Tuebingen Variant Classification Criteria Version 2. Collection method: clinical testing. Allele origin: germline. Affected: yes. Observed: 1 variant allele.
Comment: OCA2: BP4, BP7

Labcorp Genetics (formerly Invitae), Labcorp
Classification: Benign. Last evaluated: 2026-01-26. Review status: criteria provided, single submitter. Criteria: Invitae Variant Classification Sherloc (09022015). Collection method: clinical testing. Allele origin: germline.

Blueprint Genetics
Classification: Likely benign. Last evaluated: 2024-08-17. Review status: criteria provided, single submitter. Criteria: ACMG Guidelines, 2015. Collection method: clinical testing. Allele origin: germline.

Genome-Nilou Lab
Classification: Likely benign for Tyrosinase-positive oculocutaneous albinism. Last evaluated: 2021-11-07. Review status: criteria provided, single submitter. Criteria: ACMG Guidelines, 2015. Collection method: clinical testing. Allele origin: germline. Affected: no.

Illumina Laboratory Services, Illumina
Classification: Uncertain significance for Tyrosinase-positive oculocutaneous albinism. Last evaluated: 2018-01-13. Review status: criteria provided, single submitter. Criteria: ICSL Variant Classification Criteria 13 December 2019. Collection method: clinical testing. Allele origin: germline.

NM_000275.3(OCA2):c.1479T>G (p.Val493=)

Gene: OCA2 (OCA2 melanosomal transmembrane protein; minus strand). Cytogenetic location: 15q13.1.
Variant type: single nucleotide variant.
Coding change: c.1479T>G on transcript NM_000275.3 (MANE Select); coding-DNA position 1479, T replaced by G.
Protein change: p.Val493=; no amino-acid change (valine 493 retained).
Molecular consequence: synonymous variant.
Genome position (GRCh38, 1-based): chr15:27,983,369, A>C on the plus strand (T>G on the coding strand, the complement: OCA2 is on the minus strand). VCF-style: chr15-27983369-A-C. GRCh37 (hg19) VCF-style: chr15-28228515-A-C.
Other names: c.1407T>G, p.Val469= (NM_001300984.2).
Identifiers: ClinVar variation 886131 (VCV000886131.17), dbSNP rs374434751, ClinGen allele CA7439029.